The following is an entry in ClinVar:

ClinVar aggregate classification (germline): Uncertain significance (1 of 4 stars; one submission).

Conditions:
Ectodermal dysplasia and immunodeficiency 2. Identifiers: Orphanet 238468, Orphanet 98813, MedGen C2677481, MONDO:0012806, OMIM 612132.

Submission:

Labcorp Genetics (formerly Invitae), Labcorp
Classification: Uncertain significance for Ectodermal dysplasia and immunodeficiency 2. Last evaluated: 2024-09-27. Review status: criteria provided, single submitter. Criteria: Invitae Variant Classification Sherloc (09022015). Collection method: clinical testing. Allele origin: germline.
Comment: This sequence change replaces tyrosine, which is neutral and polar, with phenylalanine, which is neutral and non-polar, at codon 305 of the NFKBIA protein (p.Tyr305Phe). This variant is not present in population databases (gnomAD no frequency). This variant has not been reported in the literature in individuals affected with NFKBIA-related conditions. An algorithm developed to predict the effect of missense changes on protein structure and function (PolyPhen-2) suggests that this variant is likely to be disruptive. Experimental studies have shown that this missense change affects NFKBIA function (PMID: 12167702). In summary, the available evidence is currently insufficient to determine the role of this variant in disease. Therefore, it has been classified as a Variant of Uncertain Significance.

Literature cited by the submitters: PubMed 12167702.

NM_020529.3(NFKBIA):c.914A>T (p.Tyr305Phe)

Gene: NFKBIA (NFKB inhibitor alpha; minus strand). Cytogenetic location: 14q13.2.
Variant type: single nucleotide variant.
Coding change: c.914A>T on transcript NM_020529.3 (MANE Select); coding-DNA position 914, A replaced by T.
Protein change: p.Tyr305Phe; replaces tyrosine 305 with phenylalanine.
Molecular consequence: missense variant.
Genome position (GRCh38, 1-based): chr14:35,402,053, T>A on the plus strand (A>T on the coding strand, the complement: NFKBIA is on the minus strand). VCF-style: chr14-35402053-T-A. GRCh37 (hg19) VCF-style: chr14-35871259-T-A.
Other names: short protein forms Y305F.
Identifiers: ClinVar variation 3660555 (VCV003660555.2).